The following is an entry in ClinVar:

NM_000138.5(FBN1):c.3043G>A (p.Ala1015Thr)

Gene: FBN1 (fibrillin 1; minus strand). Cytogenetic location: 15q21.1.
Variant type: single nucleotide variant.
Coding change: c.3043G>A on transcript NM_000138.5 (MANE Select); coding-DNA position 3043, G replaced by A.
Protein change: p.Ala1015Thr; replaces alanine 1015 with threonine.
Molecular consequence: missense variant.
Genome position (GRCh38, 1-based): chr15:48,489,890, C>T on the plus strand (G>A on the coding strand, the complement: FBN1 is on the minus strand). VCF-style: chr15-48489890-C-T. GRCh37 (hg19) VCF-style: chr15-48782087-C-T.
Other names: short protein forms A1015T.
Identifiers: ClinVar variation 225356 (VCV000225356.28), dbSNP rs55831697, ClinGen allele CA049620.
Genomic context (GRCh38, chr15:48,489,890, plus strand): 5'-ATGGAAAACGTAACATTGTACCTTTGAAGAAAGGCTTTCCATTTGTAATTTCTTTTGTGG[C>T]AAATCCGGGTCCTCTCGGACACAGCTCCTCGTACTCAGGAGTATTTCTCATGGGACACTC-3'
Protein context (NP_000129.3, residues 1005-1025): EELCPRGPGF[Ala1015Thr]TKEITNGKPF

ClinVar aggregate classification (germline): Conflicting classifications of pathogenicity. Review status: criteria provided, conflicting classifications (1 of 4 stars). 8 submissions from 8 submitters: Uncertain significance (3); Benign (2); Likely benign (2). 1 of the submissions does not count toward it. Last evaluated 2025-11-12.

Conditions:
Marfan syndrome (MFS). Also called: MARFAN SYNDROME, TYPE I; FBN1-Related Marfan Syndrome; Marfan syndrome, classic; Marfan syndrome type 1; Marfan's syndrome. Identifiers: Orphanet 284963, Orphanet 558, MedGen C0024796, MONDO:0007947, OMIM 154700.
Familial thoracic aortic aneurysm and aortic dissection (TAAD). Also called: Thoracic aortic aneurysms and dissections. Identifiers: Orphanet 91387, MedGen C4707243, MONDO:0019625.

Allele frequency attached by ClinVar (database versions not stated): gnomAD 0.00001 and 0.00003; ExAC 0.00002; 1000 Genomes Project 30x 0.00016; gnomAD exomes 0.00006 and 0.00002; 1000 Genomes Project 0.00020; TOPMed 0.00002.
gnomAD v4.1: 88 of 1,614,164 alleles (0.0055%); highest among the groups gnomAD compares: East Asian, 0.2%; no homozygotes.

Submissions (8):

Labcorp Genetics (formerly Invitae), Labcorp
Classification: Benign for Marfan syndrome; Familial thoracic aortic aneurysm and aortic dissection. Last evaluated: 2025-11-12. Review status: criteria provided, single submitter. Criteria: Invitae Variant Classification Sherloc (09022015). Collection method: clinical testing. Allele origin: germline.

Color Diagnostics, LLC DBA Color Health
Classification: Likely benign for Familial thoracic aortic aneurysm and aortic dissection. Last evaluated: 2025-09-22. Review status: criteria provided, single submitter. Criteria: ACMG Guidelines, 2015. Collection method: clinical testing. Allele origin: germline.

GeneDx
Classification: Uncertain significance. Last evaluated: 2024-06-28. Review status: criteria provided, single submitter. Criteria: GeneDx Variant Classification Process June 2021. Collection method: clinical testing. Allele origin: germline. Affected: yes.
Comment: Has been reported in patients with Marfan syndrome or craniosynostosis (PMID: 16835936, 21907952, 31754721); Not observed at significant frequency in large population cohorts (gnomAD); Does not affect a cysteine or calcium-binding residue within an EGF-like domain or a TGF-binding protein domain of the FBN1 gene; cysteine substitutions in the EGF-like domains represent the majority of pathogenic missense changes associated with FBN1-related disorders (PMID: 12938084); In silico analysis indicates that this missense variant does not alter protein structure/function; This variant is associated with the following publications: (PMID: 26332594, 31754721, 16835936, 21907952, 31227806, 12938084)

All of Us Research Program, National Institutes of Health
Classification: Uncertain significance for Marfan syndrome. Last evaluated: 2024-05-09. Review status: criteria provided, single submitter. Criteria: ACMG Guidelines, 2015. Collection method: clinical testing. Allele origin: germline. Inheritance: Autosomal dominant inheritance. Observed: 3 variant alleles, 3 heterozygotes.
Comment: This missense variant replaces alanine with threonine at codon 1015 of the FBN1 protein. Computational prediction suggests that this variant may not impact protein structure and function (internally defined REVEL score threshold <= 0.5, PMID: 27666373). To our knowledge, functional studies have not been performed for this variant. This variant has been reported in two Japanese individuals affected with Marfan syndrome (PMID: 16835936, 21907952). One of these individuals carried a pathogenic variant in the same gene. This variant has been identified in 5/251396 chromosomes in the general population by the Genome Aggregation Database (gnomAD). The available evidence is insufficient to determine the role of this variant in disease conclusively. Therefore, this variant is classified as a Variant of Uncertain Significance.

This study involves interpretation of variants in research participants for the purpose of population health screening. Participant phenotype was not available at the time of variant classification. Additional details can be found in publication PMID: 35346344, PMCID: PMC8962531

Ambry Genetics
Classification: Likely benign for Familial thoracic aortic aneurysm and aortic dissection. Last evaluated: 2023-05-30. Review status: criteria provided, single submitter. Criteria: Ambry Variant Classification Scheme 2023. Collection method: clinical testing. Allele origin: germline.

Women's Health and Genetics/Laboratory Corporation of America, LabCorp
Classification: Benign. Last evaluated: 2022-02-28. Review status: criteria provided, single submitter. Criteria: LabCorp Variant Classification Summary - May 2015. Collection method: clinical testing. Allele origin: germline.
Comment: Variant summary: FBN1 c.3043G>A (p.Ala1015Thr) results in a non-conservative amino acid change in the encoded protein sequence. Three of five in-silico tools predict a benign effect of the variant on protein function. The variant allele was found at a frequency of 2e-05 in 251396 control chromosomes (gnomAD). The available data on variant occurrences in the general population are insufficient to allow any conclusion about variant significance. However, the variant was reported in some East Asian subpopulations with a much higher allele frequency, e.g. in the Japanese, with an allele frequency of 0.0041 (in the jMorp database). This frequency is about 37-fold higher than the estimated maximum expected for a pathogenic variant in FBN1 causing Marfan Syndrome phenotype (0.00011), suggesting the variant could be a benign polymorphism. c.3043G>A has been reported in the literature in individuals affected with (suspected) Marfan Syndrome (Sakai_2006, Ogawa_2011), however, in one of these cases a co-occurring possibly pathogenic variant could explain the phenotype. To our knowledge, no experimental evidence demonstrating an impact on protein function has been reported. A recent study combining ACMG criteria with FBN1 gene-specific knowledge (i.e. considering critical FBN1 regions and appropriate minor allele frequency (MAF) cutoffs), classified the variant as likely benign (Baudhuin_2019). Four clinical diagnostic laboratories have submitted clinical-significance assessments for this variant to ClinVar after 2014, and all laboratories classified the variant as uncertain significance. Based on the evidence outlined above, the variant was classified as benign.

Soonchunhyang University Bucheon Hospital, Soonchunhyang University Medical Center
Classification: Uncertain significance for Marfan syndrome. Last evaluated: 2016-03-18. Review status: criteria provided, single submitter. Criteria: ACMG Guidelines, 2015. Collection method: reference population. Allele origin: germline. Observed: 1 variant allele.

Department of Laboratory Medicine and Genetics, Samsung Medical Center
Classification: Uncertain significance for Marfan syndrome. Last evaluated: 2025-01-02. Review status: no assertion criteria provided. Collection method: clinical testing. Allele origin: germline. Not counted in ClinVar's aggregate classification.
Comment: The NM_000138.5:c.3043G>A is considered to be not rare in the general population database (gnomAD v2.1.1). In summary, the available evidence is currently insufficient to evaluate the pathogenicity of this variant, resulting its classification as a variant of uncertain significance (BS1).

Literature cited by the submitters: PubMed 16835936 (cited by 4 submitters); PubMed 21907952 (cited by All of Us Research Program, National Institutes of Health and Women's Health and Genetics/Laboratory Corporation of America, LabCorp); PubMed 29192238 (cited by Ambry Genetics); PubMed 31754721 (cited by Ambry Genetics and Women's Health and Genetics/Laboratory Corporation of America, LabCorp); PubMed 26332594 (cited by Women's Health and Genetics/Laboratory Corporation of America, LabCorp and Department of Laboratory Medicine and Genetics, Samsung Medical Center); PubMed 31227806 (cited by Women's Health and Genetics/Laboratory Corporation of America, LabCorp); PubMed 33735269 (cited by Women's Health and Genetics/Laboratory Corporation of America, LabCorp); PubMed 37558401 (cited by Department of Laboratory Medicine and Genetics, Samsung Medical Center); PubMed 37840311 (cited by Department of Laboratory Medicine and Genetics, Samsung Medical Center).